The following is an entry in ClinVar:

ClinVar aggregate classification (germline): Uncertain significance. Review status: criteria provided, multiple submitters, no conflicts (2 of 4 stars). 2 submissions from 2 submitters: Uncertain significance (2). Last evaluated 2024-09-10.

Submissions (2):

Labcorp Genetics (formerly Invitae), Labcorp
Classification: Uncertain significance. Last evaluated: 2024-09-10. Review status: criteria provided, single submitter. Criteria: Invitae Variant Classification Sherloc (09022015). Collection method: clinical testing. Allele origin: germline.
Comment: This sequence change replaces proline, which is neutral and non-polar, with leucine, which is neutral and non-polar, at codon 1692 of the KAT6A protein (p.Pro1692Leu). The frequency data for this variant in the population databases is considered unreliable, as metrics indicate poor data quality at this position in the gnomAD database. This variant has not been reported in the literature in individuals affected with KAT6A-related conditions. ClinVar contains an entry for this variant (Variation ID: 2580060). Experimental studies and prediction algorithms are not available or were not evaluated, and the functional significance of this variant is currently unknown. In summary, the available evidence is currently insufficient to determine the role of this variant in disease. Therefore, it has been classified as a Variant of Uncertain Significance.

GeneDx
Classification: Uncertain significance. Last evaluated: 2023-03-15. Review status: criteria provided, single submitter. Criteria: GeneDx Variant Classification Process June 2021. Collection method: clinical testing. Allele origin: germline. Affected: yes.
Comment: In silico analysis supports that this missense variant does not alter protein structure/function; Has not been previously published as pathogenic or benign to our knowledge

NM_006766.5(KAT6A):c.5075C>T (p.Pro1692Leu)

Gene: KAT6A (lysine acetyltransferase 6A; minus strand). Cytogenetic location: 8p11.21.
Variant type: single nucleotide variant.
Coding change: c.5075C>T on transcript NM_006766.5 (MANE Select); coding-DNA position 5075, C replaced by T.
Protein change: p.Pro1692Leu; replaces proline 1692 with leucine.
Molecular consequence: missense variant.
Genome position (GRCh38, 1-based): chr8:41,933,145, G>A on the plus strand (C>T on the coding strand, the complement: KAT6A is on the minus strand). VCF-style: chr8-41933145-G-A. GRCh37 (hg19) VCF-style: chr8-41790663-G-A.
Other names: short protein forms P1692L.
Identifiers: ClinVar variation 2580060 (VCV002580060.3), dbSNP rs1338305779, ClinGen allele CA371063706.